The following is an entry in ClinVar:

NM_002109.6(HARS1):c.1200G>T (p.Leu400Phe)

Gene: HARS1 (histidyl-tRNA synthetase 1; minus strand). Cytogenetic location: 5q31.3.
Variant type: single nucleotide variant.
Coding change: c.1200G>T on transcript NM_002109.6 (MANE Select); coding-DNA position 1200, G replaced by T.
Protein change: p.Leu400Phe; replaces leucine 400 with phenylalanine.
Molecular consequence: missense variant.
Genome position (GRCh38, 1-based): chr5:140,675,128, C>A on the plus strand (G>T on the coding strand, the complement: HARS1 is on the minus strand). VCF-style: chr5-140675128-C-A. GRCh37 (hg19) VCF-style: chr5-140054713-C-A.
Other names: c.1080G>T, p.Leu360Phe (NM_001258040.3); c.1140G>T, p.Leu380Phe (NM_001258041.3); c.1020G>T, p.Leu340Phe (NM_001258042.3); c.978G>T, p.Leu326Phe (NM_001289092.2); c.858G>T, p.Leu286Phe (NM_001289093.2); c.1113G>T, p.Leu371Phe (NM_001289094.2); c.1200G>T (NM_002109.3); short protein forms L340F, L380F, L360F, L371F, L286F, L326F, L400F.
Identifiers: ClinVar variation 936789 (VCV000936789.12), dbSNP rs1758288242, ClinGen allele CA361248948.

ClinVar aggregate classification (germline): Uncertain significance. Review status: criteria provided, multiple submitters, no conflicts (2 of 4 stars). 3 submissions from 3 submitters: Uncertain significance (3). Last evaluated 2025-05-04.

Conditions:
Usher syndrome type 3B. Also called: USHER SYNDROME, TYPE IIIB. Identifiers: MedGen C3281066, MONDO:0013788, OMIM 614504.

Allele frequency attached by ClinVar (database versions not stated): gnomAD exomes below 0.00001; TOPMed 0.00001.
gnomAD v4.1: 5 of 1,598,630 alleles (0.00031%); highest among the groups gnomAD compares: Non-Finnish European, 0.00043%; no homozygotes.

Submissions (3):

Labcorp Genetics (formerly Invitae), Labcorp
Classification: Uncertain significance for Usher syndrome type 3B. Last evaluated: 2025-05-04. Review status: criteria provided, single submitter. Criteria: Invitae Variant Classification Sherloc (09022015). Collection method: clinical testing. Allele origin: germline.
Comment: This sequence change replaces leucine, which is neutral and non-polar, with phenylalanine, which is neutral and non-polar, at codon 400 of the HARS protein (p.Leu400Phe). This variant is not present in population databases (gnomAD no frequency). This variant has not been reported in the literature in individuals affected with HARS-related conditions. ClinVar contains an entry for this variant (Variation ID: 936789). Invitae Evidence Modeling of protein sequence and biophysical properties (such as structural, functional, and spatial information, amino acid conservation, physicochemical variation, residue mobility, and thermodynamic stability) indicates that this missense variant is not expected to disrupt HARS protein function with a negative predictive value of 80%. In summary, the available evidence is currently insufficient to determine the role of this variant in disease. Therefore, it has been classified as a Variant of Uncertain Significance.

Blueprint Genetics
Classification: Uncertain significance. Last evaluated: 2024-03-28. Review status: criteria provided, single submitter. Criteria: ACMG Guidelines, 2015. Collection method: clinical testing. Allele origin: germline.

Ambry Genetics
Classification: Uncertain significance. Last evaluated: 2023-02-06. Review status: criteria provided, single submitter. Criteria: Ambry Variant Classification Scheme 2023. Collection method: clinical testing. Allele origin: germline.